The following is an entry in ClinVar:

ClinVar aggregate classification (germline): Uncertain significance. Review status: criteria provided, multiple submitters, no conflicts (2 of 4 stars). 2 submissions from 2 submitters: Uncertain significance (2). Last evaluated 2024-04-29.

Conditions:
Hereditary nonpolyposis colorectal neoplasms. Identifiers: MedGen C0009405, MeSH D003123.
Hereditary cancer-predisposing syndrome. Also called: Neoplastic Syndromes, Hereditary; Tumor predisposition; Hereditary neoplastic syndrome; Hereditary Cancer Syndrome. Identifiers: Orphanet 140162, MedGen C0027672, MeSH D009386, MONDO:0015356.

Submissions (2):

Ambry Genetics
Classification: Uncertain significance for Hereditary cancer-predisposing syndrome. Last evaluated: 2024-04-29. Review status: criteria provided, single submitter. Criteria: Ambry Variant Classification Scheme 2023. Collection method: clinical testing. Allele origin: germline.
Comment: The c.627+4G>A intronic variant results from a G to A substitution 4 nucleotides after coding exon 3 in the MSH6 gene. This nucleotide position is not well conserved in available vertebrate species. In silico splice site analysis predicts that this alteration will not have any significant effect on splicing. Based on the available evidence, the clinical significance of this variant remains unclear.

Labcorp Genetics (formerly Invitae), Labcorp
Classification: Uncertain significance for Hereditary nonpolyposis colorectal neoplasms. Last evaluated: 2023-12-05. Review status: criteria provided, single submitter. Criteria: Invitae Variant Classification Sherloc (09022015). Collection method: clinical testing. Allele origin: germline.
Comment: This sequence change falls in intron 3 of the MSH6 gene. It does not directly change the encoded amino acid sequence of the MSH6 protein. It affects a nucleotide within the consensus splice site. This variant is not present in population databases (gnomAD no frequency). This variant has not been reported in the literature in individuals affected with MSH6-related conditions. Variants that disrupt the consensus splice site are a relatively common cause of aberrant splicing (PMID: 17576681, 9536098). Algorithms developed to predict the effect of sequence changes on RNA splicing suggest that this variant is not likely to affect RNA splicing. In summary, the available evidence is currently insufficient to determine the role of this variant in disease. Therefore, it has been classified as a Variant of Uncertain Significance.

Literature cited by the submitters: PubMed 17576681 (cited by Labcorp Genetics (formerly Invitae), Labcorp); PubMed 9536098 (cited by Labcorp Genetics (formerly Invitae), Labcorp).

NM_000179.3(MSH6):c.627+4G>A

Gene: MSH6 (mutS homolog 6; plus strand). Cytogenetic location: 2p16.3.
Variant type: single nucleotide variant.
Coding change: c.627+4G>A on transcript NM_000179.3 (MANE Select); 4 bases into the intron after coding-DNA position 627, G replaced by A.
Molecular consequence: intron variant.
Genome position (GRCh38, 1-based): chr2:47,796,067, G>A. VCF-style: chr2-47796067-G-A. GRCh37 (hg19) VCF-style: chr2-48023206-G-A.
Other names: c.627+4G>A (NM_001406809.1, NM_001406796.1, NM_001406808.1 and 6 more transcripts); c.-279-2544G>A (NM_001406811.1, NM_001281493.2, NM_001406812.1 and 4 more transcripts); c.330+4G>A (NM_001406805.1, NM_001406797.1, NM_001406801.1 and 10 more transcripts); c.723+4G>A (NM_001406795.1, NM_001406802.1); c.633+4G>A (NM_001406813.1); c.102+4G>A (NM_001406807.1, NM_001406799.1, NM_001406806.1); c.-368+4G>A (NM_001406814.1); c.549+4G>A (NM_001406804.1); and 3 more.
Identifiers: ClinVar variation 2700960 (VCV002700960.4), dbSNP rs2104241533, ClinGen allele CA2697548123.